The following is an entry in ClinVar:

NM_000128.4(F11):c.1102G>A (p.Gly368Arg)

Gene: F11 (coagulation factor XI; plus strand). Cytogenetic location: 4q35.2.
Variant type: single nucleotide variant.
Coding change: c.1102G>A on transcript NM_000128.4 (MANE Select); coding-DNA position 1102, G replaced by A.
Protein change: p.Gly368Arg; replaces glycine 368 with arginine.
Molecular consequence: missense variant.
Genome position (GRCh38, 1-based): chr4:186,280,547, G>A. VCF-style: chr4-186280547-G-A. GRCh37 (hg19) VCF-style: chr4-187201701-G-A.
Other names: short protein forms G368R.
Identifiers: ClinVar variation 2734694 (VCV002734694.4), dbSNP rs2477335764, ClinGen allele CA358938933.

ClinVar aggregate classification (germline): Likely pathogenic. Review status: criteria provided, multiple submitters, no conflicts (2 of 4 stars). 2 submissions from 2 submitters: Likely pathogenic (2). Last evaluated 2025-05-22.

Conditions:
Hereditary factor XI deficiency disease. Also called: PLASMA THROMBOPLASTIN ANTECEDENT DEFICIENCY; PTA DEFICIENCY; ROSENTHAL SYNDROME; Congenital factor XI deficiency. Identifiers: Orphanet 329, MedGen C0015523, MeSH D005173, MONDO:0012897, OMIM 612416.

Submissions (2):

Women's Health and Genetics/Laboratory Corporation of America, LabCorp
Classification: Likely pathogenic for Hereditary factor XI deficiency disease. Last evaluated: 2025-05-22. Review status: criteria provided, single submitter. Criteria: LabCorp Variant Classification Summary - May 2015. Collection method: clinical testing. Allele origin: germline.
Comment: Variant summary: F11 c.1102G>A (p.Gly368Arg) results in a non-conservative amino acid change located in the fourth apple (apple 4) domain (IPR000177), which mediates dimer formation (PMID 1581318) of the encoded protein sequence. Algorithms developed to predict the effect of missense changes on protein structure and function all suggest that this variant is likely to be disruptive. The variant was absent in 251366 control chromosomes (gnomAD). The variant c.1102G>A (aka Gly350Arg) has been observed in at least one compound heterozygous individual affected with factor XI deficiency disease (Quelin_2009); this patient carried a second pathogenic variant, and had significantly reduced (close to zero) FXI activities and protein levels. In addition, a different variant affecting the same codon has been classified as pathogenic by our lab (c.1103G>A, p.Gly368Glu), supporting the critical relevance of codon 368 to F11 protein function. The following publication has been ascertained in the context of this evaluation (PMID: 20523169). ClinVar contains an entry for this variant (Variation ID: 2734694). Based on the evidence outlined above, the variant was classified as likely pathogenic.

Labcorp Genetics (formerly Invitae), Labcorp
Classification: Likely pathogenic. Last evaluated: 2024-01-08. Review status: criteria provided, single submitter. Criteria: Invitae Variant Classification Sherloc (09022015). Collection method: clinical testing. Allele origin: germline.
Comment: This sequence change replaces glycine, which is neutral and non-polar, with arginine, which is basic and polar, at codon 368 of the F11 protein (p.Gly368Arg). This variant is not present in population databases (gnomAD no frequency). This missense change has been observed in individual(s) with autosomal recessive factor XI deficiency (PMID: 20523169). This variant is also known as p.Gly350Arg. Advanced modeling of protein sequence and biophysical properties (such as structural, functional, and spatial information, amino acid conservation, physicochemical variation, residue mobility, and thermodynamic stability) performed at Invitae indicates that this missense variant is expected to disrupt F11 protein function with a positive predictive value of 95%. This variant disrupts the p.Gly368 amino acid residue in F11. Other variant(s) that disrupt this residue have been determined to be pathogenic (PMID: 14717969; Invitae). This suggests that this residue is clinically significant, and that variants that disrupt this residue are likely to be disease-causing. In summary, the currently available evidence indicates that the variant is pathogenic, but additional data are needed to prove that conclusively. Therefore, this variant has been classified as Likely Pathogenic.

Literature cited by the submitters: PubMed 20523169 (cited by Women's Health and Genetics/Laboratory Corporation of America, LabCorp and Labcorp Genetics (formerly Invitae), Labcorp); PubMed 14717969 (cited by Labcorp Genetics (formerly Invitae), Labcorp).